The following is an entry in ClinVar:

ClinVar aggregate classification (germline): Likely pathogenic (1 of 4 stars; one submission).

Submission:

Labcorp Genetics (formerly Invitae), Labcorp
Classification: Likely pathogenic. Last evaluated: 2023-04-17. Review status: criteria provided, single submitter. Criteria: Invitae Variant Classification Sherloc (09022015). Collection method: clinical testing. Allele origin: germline.
Comment: In summary, the currently available evidence indicates that the variant is pathogenic, but additional data are needed to prove that conclusively. Therefore, this variant has been classified as Likely Pathogenic. Algorithms developed to predict the effect of sequence changes on RNA splicing suggest that this variant may disrupt the consensus splice site. This variant has not been reported in the literature in individuals affected with POLE-related conditions. This variant is not present in population databases (gnomAD no frequency). This sequence change affects a donor splice site in intron 40 of the POLE gene. It is expected to disrupt RNA splicing. Variants that disrupt the donor or acceptor splice site typically lead to a loss of protein function (PMID: 16199547), and loss-of-function variants in POLE are known to be pathogenic (PMID: 23230001, 25948378, 30503519).

Literature cited by the submitters: PubMed 16199547; PubMed 23230001; PubMed 25948378; PubMed 30503519.

NM_006231.4(POLE):c.5552+2T>C

Gene: POLE (DNA polymerase epsilon, catalytic subunit; minus strand). Cytogenetic location: 12q24.33.
Variant type: single nucleotide variant.
Coding change: c.5552+2T>C on transcript NM_006231.4 (MANE Select); the canonical splice donor site of the intron after coding-DNA position 5552, T replaced by C.
Molecular consequence: splice donor variant.
Genome position (GRCh38, 1-based): chr12:132,639,123, A>G on the plus strand (T>C on the coding strand, the complement: POLE is on the minus strand). VCF-style: chr12-132639123-A-G. GRCh37 (hg19) VCF-style: chr12-133215709-A-G.
Identifiers: ClinVar variation 2744804 (VCV002744804.3), dbSNP rs2138508114, ClinGen allele CA387374519.